The following is an entry in ClinVar:

NM_005515.4(MNX1):c.1137C>G (p.Ala379=)

Gene: MNX1 (motor neuron and pancreas homeobox 1; minus strand). Cytogenetic location: 7q36.3.
Variant type: single nucleotide variant.
Coding change: c.1137C>G on transcript NM_005515.4 (MANE Select); coding-DNA position 1137, C replaced by G.
Protein change: p.Ala379=; no amino-acid change (alanine 379 retained).
Molecular consequence: synonymous variant.
Genome position (GRCh38, 1-based): chr7:157,005,589, G>C on the plus strand (C>G on the coding strand, the complement: MNX1 is on the minus strand). VCF-style: chr7-157005589-G-C. GRCh37 (hg19) VCF-style: chr7-156798283-G-C.
Other names: c.501C>G, p.Ala167= (NM_001165255.2).
Identifiers: ClinVar variation 2066941 (VCV002066941.17), dbSNP rs531296106, ClinGen allele CA4589106.

ClinVar aggregate classification (germline): Benign/Likely benign. Review status: criteria provided, multiple submitters, no conflicts (2 of 4 stars). 2 submissions from 2 submitters: Benign (1); Likely benign (1). Last evaluated 2025-11-03.

Allele frequency attached by ClinVar (database versions not stated): ExAC 0.00006; 1000 Genomes Project 30x 0.00031; 1000 Genomes Project 0.00040.
gnomAD v4.1: 66 of 1,598,538 alleles (0.0041%); highest among the groups gnomAD compares: African/African-American, 0.08%; 2 homozygotes.

Submissions (2):

Labcorp Genetics (formerly Invitae), Labcorp
Classification: Benign. Last evaluated: 2025-11-03. Review status: criteria provided, single submitter. Criteria: Invitae Variant Classification Sherloc (09022015). Collection method: clinical testing. Allele origin: germline.

CeGaT Center for Human Genetics Tuebingen
Classification: Likely benign. Last evaluated: 2025-02-01. Review status: criteria provided, single submitter. Criteria: CeGaT Center For Human Genetics Tuebingen Variant Classification Criteria Version 2. Collection method: clinical testing. Allele origin: germline. Affected: yes. Observed: 1 variant allele.
Comment: MNX1: BP4, BP7